The following is an entry in ClinVar:

NM_002816.5(PSMD12):c.1308G>A (p.Met436Ile)

Gene: PSMD12 (proteasome 26S subunit, non-ATPase 12; minus strand). Cytogenetic location: 17q24.2.
Variant type: single nucleotide variant.
Coding change: c.1308G>A on transcript NM_002816.5 (MANE Select); coding-DNA position 1308, G replaced by A.
Protein change: p.Met436Ile; replaces methionine 436 with isoleucine.
Molecular consequence: missense variant.
Genome position (GRCh38, 1-based): chr17:67,340,906, C>T on the plus strand (G>A on the coding strand, the complement: PSMD12 is on the minus strand). VCF-style: chr17-67340906-C-T. GRCh37 (hg19) VCF-style: chr17-65337022-C-T.
Other names: c.1131G>A, p.Met377Ile (NM_001316341.2); c.1248G>A, p.Met416Ile (NM_174871.4); short protein forms M377I, M416I, M436I.
Identifiers: ClinVar variation 1706414 (VCV001706414.2), dbSNP rs2509678029, ClinGen allele CA400803223.

ClinVar aggregate classification (germline): Uncertain significance (1 of 4 stars; one submission).

Submission:

GeneDx
Classification: Uncertain significance. Last evaluated: 2022-03-02. Review status: criteria provided, single submitter. Criteria: GeneDx Variant Classification Process June 2021. Collection method: clinical testing. Allele origin: germline. Affected: yes.
Comment: Not observed at significant frequency in large population cohorts (gnomAD); In silico analysis supports that this missense variant has a deleterious effect on protein structure/function; Has not been previously published as pathogenic or benign to our knowledge